The following is an entry in ClinVar:

ClinVar aggregate classification (germline): Uncertain significance (1 of 4 stars; one submission).

Allele frequency attached by ClinVar (database versions not stated): gnomAD exomes below 0.00001; TOPMed below 0.00001; gnomAD 0.00001.

Submission:

Ambry Genetics
Classification: Uncertain significance. Last evaluated: 2022-09-25. Review status: criteria provided, single submitter. Criteria: Ambry Variant Classification Scheme 2023. Collection method: clinical testing. Allele origin: germline.
Comment: The p.R106Q variant (also known as c.317G>A), located in coding exon 1 of the EGLN2 gene, results from a G to A substitution at nucleotide position 317. The arginine at codon 106 is replaced by glutamine, an amino acid with highly similar properties. This amino acid position is conserved. In addition, this alteration is predicted to be tolerated by in silico analysis. Since supporting evidence is limited at this time, the clinical significance of this alteration remains unclear.

NM_080732.4(EGLN2):c.317G>A (p.Arg106Gln)

Genes: EGLN2 (egl-9 family hypoxia inducible factor 2; plus strand), RAB4B-EGLN2 (RAB4B-EGLN2 readthrough (NMD candidate); plus strand). Cytogenetic location: 19q13.2.
Variant type: single nucleotide variant.
Coding change: c.317G>A on transcript NM_080732.4 (MANE Select); coding-DNA position 317, G replaced by A.
Protein change: p.Arg106Gln; replaces arginine 106 with glutamine.
Molecular consequence: missense variant. On other transcripts: non-coding transcript variant (1).
Genome position (GRCh38, 1-based): chr19:40,800,889, G>A. VCF-style: chr19-40800889-G-A. GRCh37 (hg19) VCF-style: chr19-41306794-G-A.
Other names: c.317G>A, p.Arg106Gln (NM_053046.4); short protein forms R106Q.
Identifiers: ClinVar variation 1728520 (VCV001728520.2), dbSNP rs1292450952, ClinGen allele CA405955004.